The following is an entry in ClinVar:

ClinVar aggregate classification (germline): Pathogenic. Review status: criteria provided, multiple submitters, no conflicts (2 of 4 stars). 3 submissions from 3 submitters: Pathogenic (3). Last evaluated 2023-08-09.

Conditions:
Hereditary nonpolyposis colorectal neoplasms. Identifiers: MedGen C0009405, MeSH D003123.
Hereditary cancer-predisposing syndrome. Also called: Neoplastic Syndromes, Hereditary; Tumor predisposition; Hereditary Cancer Syndrome; Hereditary neoplastic syndrome. Identifiers: Orphanet 140162, MedGen C0027672, MeSH D009386, MONDO:0015356.
Lynch syndrome 5 (LYNCH5). Also called: Colorectal cancer, hereditary nonpolyposis, type 5; Hereditary non-polyposis colorectal cancer, type 5. Identifiers: Orphanet 144, MedGen C1833477, MONDO:0013710, OMIM 614350. Disease mechanism: loss of function.

Submissions (3):

Myriad Genetics, Inc.
Classification: Pathogenic for Lynch syndrome 5. Last evaluated: 2023-08-09. Review status: criteria provided, single submitter. Criteria: Myriad Autosomal Dominant, Autosomal Recessive and X-Linked Classification Criteria (2023). Collection method: clinical testing. Allele origin: unknown.
Comment: This variant is considered pathogenic. This variant creates a termination codon and is predicted to result in premature protein truncation.

Labcorp Genetics (formerly Invitae), Labcorp
Classification: Pathogenic for Hereditary nonpolyposis colorectal neoplasms. Last evaluated: 2022-09-19. Review status: criteria provided, single submitter. Criteria: Invitae Variant Classification Sherloc (09022015). Collection method: clinical testing. Allele origin: germline.
Comment: For these reasons, this variant has been classified as Pathogenic. This variant has not been reported in the literature in individuals affected with MSH6-related conditions. This variant is not present in population databases (gnomAD no frequency). This sequence change creates a premature translational stop signal (p.Ser65*) in the MSH6 gene. It is expected to result in an absent or disrupted protein product. Loss-of-function variants in MSH6 are known to be pathogenic (PMID: 18269114, 24362816).

Ambry Genetics
Classification: Pathogenic for Hereditary cancer-predisposing syndrome. Last evaluated: 2020-01-09. Review status: criteria provided, single submitter. Criteria: Ambry Variant Classification Scheme 2023. Collection method: clinical testing. Allele origin: germline.
Comment: The p.S65* pathogenic mutation (also known as c.194C>A), located in coding exon 1 of the MSH6 gene, results from a C to A substitution at nucleotide position 194. This changes the amino acid from a serine to a stop codon within coding exon 1. This alteration is expected to result in loss of function by premature protein truncation or nonsense-mediated mRNA decay. As such, this alteration is interpreted as a disease-causing mutation.

Literature cited by the submitters: PubMed 18269114 (cited by Labcorp Genetics (formerly Invitae), Labcorp); PubMed 24362816 (cited by Labcorp Genetics (formerly Invitae), Labcorp).

NM_000179.3(MSH6):c.194C>A (p.Ser65Ter)

Gene: MSH6 (mutS homolog 6; plus strand). Cytogenetic location: 2p16.3.
Variant type: single nucleotide variant.
Coding change: c.194C>A on transcript NM_000179.3 (MANE Select); coding-DNA position 194, C replaced by A.
Protein change: p.Ser65Ter; replaces serine 65 with a stop codon.
Molecular consequence: nonsense. On other transcripts: 5 prime UTR variant (1), missense variant (1).
Genome position (GRCh38, 1-based): chr2:47,783,427, C>A. VCF-style: chr2-47783427-C-A. GRCh37 (hg19) VCF-style: chr2-48010566-C-A.
Other names: c.194C>A, p.Ser65Ter (NM_001281492.2, NM_001406795.1, NM_001406796.1 and 9 more transcripts); c.-543C>A (NM_001281493.2, NM_001406811.1); c.-135C>A (NM_001406799.1); c.139C>A, p.His47Asn (NM_001406804.1); c.-735C>A (NM_001406807.1); c.-390C>A (NM_001406812.1); c.-801C>A (NM_001406814.1); c.-346C>A (NM_001406816.1); short protein forms S65*, H47N.
Identifiers: ClinVar variation 1783188 (VCV001783188.8), dbSNP rs41294984, ClinGen allele CA346735030.